The following is an entry in ClinVar:

NM_032271.3(TRAF7):c.1785C>T (p.Leu595=)

Gene: TRAF7 (TNF receptor associated factor 7; plus strand). Cytogenetic location: 16p13.3.
Variant type: single nucleotide variant.
Coding change: c.1785C>T on transcript NM_032271.3 (MANE Select); coding-DNA position 1785, C replaced by T.
Protein change: p.Leu595=; no amino-acid change (leucine 595 retained).
Molecular consequence: synonymous variant.
Genome position (GRCh38, 1-based): chr16:2,176,087, C>T. VCF-style: chr16-2176087-C-T. GRCh37 (hg19) VCF-style: chr16-2226088-C-T.
Identifiers: ClinVar variation 4281353 (VCV004281353.7).

ClinVar aggregate classification (germline): Likely benign (1 of 4 stars; one submission).

Submission:

CeGaT Center for Human Genetics Tuebingen
Classification: Likely benign. Last evaluated: 2025-09-01. Review status: criteria provided, single submitter. Criteria: CeGaT Center For Human Genetics Tuebingen Variant Classification Criteria Version 2. Collection method: clinical testing. Allele origin: germline. Affected: yes. Observed: 1 variant allele.
Comment: TRAF7: PM2:Supporting, BP4, BP7